The following is an entry in ClinVar:

NM_015909.4(NBAS):c.5090G>T (p.Arg1697Leu)

Gene: NBAS (NBAS subunit of NRZ tethering complex; minus strand). Cytogenetic location: 2p24.3.
Variant type: single nucleotide variant.
Coding change: c.5090G>T on transcript NM_015909.4 (MANE Select); coding-DNA position 5090, G replaced by T.
Protein change: p.Arg1697Leu; replaces arginine 1697 with leucine.
Molecular consequence: missense variant. On other transcripts: non-coding transcript variant (1).
Genome position (GRCh38, 1-based): chr2:15,287,121, C>A on the plus strand (G>T on the coding strand, the complement: NBAS is on the minus strand). VCF-style: chr2-15287121-C-A. GRCh37 (hg19) VCF-style: chr2-15427245-C-A.
Other names: c.5090G>T (NM_015909.2); short protein forms R1697L.
Identifiers: ClinVar variation 284161 (VCV000284161.21), dbSNP rs145318018, ClinGen allele CA1535388.

ClinVar aggregate classification (germline): Conflicting classifications of pathogenicity. Review status: criteria provided, conflicting classifications (1 of 4 stars). 6 submissions from 6 submitters: Uncertain significance (1); Benign (1); Likely benign (3). 1 of the submissions does not count toward it. Last evaluated 2026-04-01.

Conditions:
NBAS-related disorder. Also called: NBAS-related condition.
Inborn genetic diseases. Identifiers: MedGen C0950123, MeSH D030342.

Allele frequency attached by ClinVar (database versions not stated): gnomAD 0.00191; 1000 Genomes Project 0.00200; 1000 Genomes Project 30x 0.00219; TOPMed 0.00237; ESP Exome Variant Server 0.00238.
gnomAD v4.1: 671 of 1,613,962 alleles (0.042%); highest among the groups gnomAD compares: African/African-American, 0.78%; 2 homozygotes.

Submissions (6):

CeGaT Center for Human Genetics Tuebingen
Classification: Likely benign. Last evaluated: 2026-04-01. Review status: criteria provided, single submitter. Criteria: CeGaT Center For Human Genetics Tuebingen Variant Classification Criteria Version 2. Collection method: clinical testing. Allele origin: germline. Affected: yes. Observed: 1 variant allele.
Comment: NBAS: BP4

Labcorp Genetics (formerly Invitae), Labcorp
Classification: Likely benign. Last evaluated: 2026-02-02. Review status: criteria provided, single submitter. Criteria: Invitae Variant Classification Sherloc (09022015). Collection method: clinical testing. Allele origin: germline.

Blueprint Genetics
Classification: Likely benign. Last evaluated: 2024-10-21. Review status: criteria provided, single submitter. Criteria: ACMG Guidelines, 2015. Collection method: clinical testing. Allele origin: germline.

Ambry Genetics
Classification: Uncertain significance for Inborn genetic diseases. Last evaluated: 2021-07-20. Review status: criteria provided, single submitter. Criteria: Ambry Variant Classification Scheme 2023. Collection method: clinical testing. Allele origin: germline.

Eurofins Ntd Llc (ga)
Classification: Benign. Last evaluated: 2015-10-23. Review status: criteria provided, single submitter. Criteria: EGL Classification Definitions 2015. Collection method: clinical testing. Allele origin: germline. Observed: 3 variant alleles, 3 heterozygotes.

PreventionGenetics, part of Exact Sciences
Classification: Benign for NBAS-related condition. Last evaluated: 2019-06-25. Review status: no assertion criteria provided. Collection method: clinical testing. Allele origin: germline. Not counted in ClinVar's aggregate classification.
Comment: This variant is classified as benign based on ACMG/AMP sequence variant interpretation guidelines (Richards et al. 2015 PMID: 25741868, with internal and published modifications).